The following is an entry in ClinVar:

ClinVar aggregate classification (germline): Likely pathogenic. Review status: criteria provided, single submitter (1 of 4 stars). 2 submissions from 2 submitters: Likely pathogenic (1). 1 of the submissions does not count toward it. Last evaluated 2022-09-20.

Conditions:
Fanconi anemia (FA). Also called: Fanconi's anemia. Identifiers: Orphanet 84, MedGen C0015625, MeSH D005199, MONDO:0019391.
Fanconi anemia complementation group A (FANCA). Also called: Fanconi anemia, group A; FANCA-Related Fanconi Anemia. Identifiers: Orphanet 84, MedGen C3469521, MONDO:0009215, OMIM 227650.

gnomAD v4.1: 1 of 1,614,114 alleles (0.000062%); highest among the groups gnomAD compares: Non-Finnish European, 0.000085%; no homozygotes.

Submissions (2):

Labcorp Genetics (formerly Invitae), Labcorp
Classification: Likely pathogenic for Fanconi anemia. Last evaluated: 2022-09-20. Review status: criteria provided, single submitter. Criteria: Invitae Variant Classification Sherloc (09022015). Collection method: clinical testing. Allele origin: germline.
Comment: Advanced modeling of protein sequence and biophysical properties (such as structural, functional, and spatial information, amino acid conservation, physicochemical variation, residue mobility, and thermodynamic stability) performed at Invitae indicates that this missense variant is expected to disrupt FANCA protein function. ClinVar contains an entry for this variant (Variation ID: 974055). This missense change has been observed in individuals with clinical features of Fanconi anemia (PMID: 22778927, 32947577; Invitae). This variant is not present in population databases (gnomAD no frequency). This sequence change replaces proline, which is neutral and non-polar, with leucine, which is neutral and non-polar, at codon 1164 of the FANCA protein (p.Pro1164Leu). This variant disrupts the p.Pro1164 amino acid residue in FANCA. Other variant(s) that disrupt this residue have been determined to be pathogenic (PMID: 24584348, 29098742, 31558676). This suggests that this residue is clinically significant, and that variants that disrupt this residue are likely to be disease-causing. In summary, the currently available evidence indicates that the variant is pathogenic, but additional data are needed to prove that conclusively. Therefore, this variant has been classified as Likely Pathogenic.

Leiden Open Variation Database
Classification: Pathogenic for Fanconi anemia complementation group A. Last evaluated: 2020-02-28. Review status: no assertion criteria provided. Collection method: curation. Allele origin: germline. Affected: yes. Not counted in ClinVar's aggregate classification.
Comment: Curator: Arleen D. Auerbach. Submitter to LOVD: Johan de Winter.

Literature cited by the submitters: PubMed 22778927 (cited by Labcorp Genetics (formerly Invitae), Labcorp and Leiden Open Variation Database); PubMed 32947577 (cited by Labcorp Genetics (formerly Invitae), Labcorp); PubMed 24584348 (cited by Labcorp Genetics (formerly Invitae), Labcorp); PubMed 29098742 (cited by Labcorp Genetics (formerly Invitae), Labcorp); PubMed 31558676 (cited by Labcorp Genetics (formerly Invitae), Labcorp).

NM_000135.4(FANCA):c.3491C>T (p.Pro1164Leu)

Gene: FANCA (FA complementation group A; minus strand). Cytogenetic location: 16q24.3.
Variant type: single nucleotide variant.
Coding change: c.3491C>T on transcript NM_000135.4 (MANE Select); coding-DNA position 3491, C replaced by T.
Protein change: p.Pro1164Leu; replaces proline 1164 with leucine.
Molecular consequence: missense variant.
Genome position (GRCh38, 1-based): chr16:89,746,606, G>A on the plus strand (C>T on the coding strand, the complement: FANCA is on the minus strand). VCF-style: chr16-89746606-G-A. GRCh37 (hg19) VCF-style: chr16-89813014-G-A.
Other names: c.3491C>T, p.Pro1164Leu (NM_001286167.3); short protein forms P1164L.
Identifiers: ClinVar variation 974055 (VCV000974055.6), dbSNP rs2038399117, ClinGen allele CA397485858.